The following is an entry in ClinVar:

ClinVar aggregate classification (germline): Uncertain significance. Review status: criteria provided, multiple submitters, no conflicts (2 of 4 stars). 2 submissions from 2 submitters: Uncertain significance (2). Last evaluated 2026-07-01.

Conditions:
Multiple congenital anomalies-hypotonia-seizures syndrome 3 (MCAHS3). Also called: GLYCOSYLPHOSPHATIDYLINOSITOL BIOSYNTHESIS DEFECT 7. Identifiers: Orphanet 369837, MedGen C3809356, MONDO:0014165, OMIM 615398.

Allele frequency attached by ClinVar (database versions not stated): ExAC 0.00001; gnomAD exomes 0.00002 and 0.00004; TOPMed 0.00002; gnomAD 0.00004 and 0.00005; ESP Exome Variant Server 0.00008.

Submissions (2):

CeGaT Center for Human Genetics Tuebingen
Classification: Uncertain significance. Last evaluated: 2026-07-01. Review status: criteria provided, single submitter. Criteria: CeGaT Center For Human Genetics Tuebingen Variant Classification Criteria Version 2. Collection method: clinical testing. Allele origin: germline. Affected: yes. Observed: 1 variant allele.
Comment: PIGT: PM2

Labcorp Genetics (formerly Invitae), Labcorp
Classification: Uncertain significance for Multiple congenital anomalies-hypotonia-seizures syndrome 3. Last evaluated: 2023-10-13. Review status: criteria provided, single submitter. Criteria: Invitae Variant Classification Sherloc (09022015). Collection method: clinical testing. Allele origin: germline.
Comment: This sequence change replaces arginine, which is basic and polar, with glutamine, which is neutral and polar, at codon 422 of the PIGT protein (p.Arg422Gln). This variant is present in population databases (rs374038914, gnomAD 0.008%). This variant has not been reported in the literature in individuals affected with PIGT-related conditions. ClinVar contains an entry for this variant (Variation ID: 1376887). Advanced modeling of protein sequence and biophysical properties (such as structural, functional, and spatial information, amino acid conservation, physicochemical variation, residue mobility, and thermodynamic stability) performed at Invitae indicates that this missense variant is expected to disrupt PIGT protein function. In summary, the available evidence is currently insufficient to determine the role of this variant in disease. Therefore, it has been classified as a Variant of Uncertain Significance.

NM_015937.6(PIGT):c.1265G>A (p.Arg422Gln)

Gene: PIGT (phosphatidylinositol glycan anchor biosynthesis class T; plus strand). Cytogenetic location: 20q13.12.
Variant type: single nucleotide variant.
Coding change: c.1265G>A on transcript NM_015937.6 (MANE Select); coding-DNA position 1265, G replaced by A.
Protein change: p.Arg422Gln; replaces arginine 422 with glutamine.
Molecular consequence: missense variant. On other transcripts: non-coding transcript variant (5).
Genome position (GRCh38, 1-based): chr20:45,424,246, G>A. VCF-style: chr20-45424246-G-A. GRCh37 (hg19) VCF-style: chr20-44052886-G-A.
Other names: c.1097G>A, p.Arg366Gln (NM_001184728.3); c.1064G>A, p.Arg355Gln (NM_001184729.3); c.959G>A, p.Arg320Gln (NM_001184730.3); short protein forms R320Q, R355Q, R366Q, R422Q.
Identifiers: ClinVar variation 1376887 (VCV001376887.9), dbSNP rs374038914, ClinGen allele CA9878213.
Genomic context (GRCh38, chr20:45,424,246, plus strand): 5'-AGAGATGTGGGTGACCTTGCATGTCTCCAGGTTACATCCACTACCAGCCTGCCCAGGACC[G>A]GCTGCAACCCCACCTCCTGGAGATGCTGATTCAGCTGCCGGCCAACTCAGTCACCAAGGT-3'
Protein context (NP_057021.2, residues 412-432): SYIHYQPAQD[Arg422Gln]LQPHLLEMLI